The following is an entry in ClinVar:

NM_000051.4(ATM):c.3993+40G>A

Gene: ATM (ATM serine/threonine kinase; plus strand). Cytogenetic location: 11q22.3.
Variant type: single nucleotide variant.
Coding change: c.3993+40G>A on transcript NM_000051.4 (MANE Select); 40 bases into the intron after coding-DNA position 3993, G replaced by A.
Molecular consequence: intron variant.
Genome position (GRCh38, 1-based): chr11:108,284,513, G>A. VCF-style: chr11-108284513-G-A. GRCh37 (hg19) VCF-style: chr11-108155240-G-A.
Other names: c.3993+40G>A (NM_001351834.2).
Identifiers: ClinVar variation 670294 (VCV000670294.10), dbSNP rs3218709, ClinGen allele CA6265371.

ClinVar aggregate classification (germline): Likely benign. Review status: criteria provided, multiple submitters, no conflicts (2 of 4 stars). 5 submissions from 5 submitters: Likely benign (3). 2 of the submissions do not count toward it. Last evaluated 2025-03-04.

Allele frequency attached by ClinVar (database versions not stated): 1000 Genomes Project 0.00300; 1000 Genomes Project 30x 0.00375; ESP Exome Variant Server 0.00677; gnomAD 0.00933.
gnomAD v4.1: 13,817 of 1,608,016 alleles (0.86%); highest among the groups gnomAD compares: Non-Finnish European, 0.93%; 96 homozygotes.

Submissions (5):

Center for Genomic Medicine, Rigshospitalet, Copenhagen University Hospital
Classification: Likely benign. Last evaluated: 2025-03-04. Review status: criteria provided, single submitter. Criteria: ACMG Guidelines, 2015. Collection method: clinical testing. Allele origin: germline.

GeneDx
Classification: Likely benign. Last evaluated: 2018-06-18. Review status: criteria provided, single submitter. Criteria: GeneDx Variant Classification (06012015). Collection method: clinical testing. Allele origin: germline. Affected: yes.
Comment: This variant is considered likely benign or benign based on one or more of the following criteria: it is a conservative change, it occurs at a poorly conserved position in the protein, it is predicted to be benign by multiple in silico algorithms, and/or has population frequency not consistent with disease.

Breakthrough Genomics
Classification: Likely benign. Review status: criteria provided, single submitter. Criteria: ACMG Guidelines, 2015. Collection method: not provided. Allele origin: germline. Inheritance: Autosomal recessive inheritance. Affected: yes.

Clinical Genetics Laboratory, Department of Pathology, Netherlands Cancer Institute
Classification: Benign. Review status: no assertion criteria provided. Collection method: clinical testing. Allele origin: germline. Affected: yes. Study: VKGL Data-share Consensus. Not counted in ClinVar's aggregate classification.

Joint Genome Diagnostic Labs from Nijmegen and Maastricht, Radboudumc and MUMC+
Classification: Benign. Review status: no assertion criteria provided. Collection method: clinical testing. Allele origin: germline. Affected: yes. Study: VKGL Data-share Consensus. Not counted in ClinVar's aggregate classification.